The following is an entry in ClinVar:

ClinVar aggregate classification (germline): Uncertain significance (1 of 4 stars; one submission).

gnomAD v4.1: 1 of 1,613,948 alleles (0.000062%); highest among the groups gnomAD compares: African/African-American, 0.0013%; no homozygotes.

Submission:

Labcorp Genetics (formerly Invitae), Labcorp
Classification: Uncertain significance. Last evaluated: 2021-10-31. Review status: criteria provided, single submitter. Criteria: Invitae Variant Classification Sherloc (09022015). Collection method: clinical testing. Allele origin: germline.
Comment: This sequence change replaces methionine, which is neutral and non-polar, with leucine, which is neutral and non-polar, at codon 264 of the PCDH15 protein (p.Met264Leu). This variant is not present in population databases (gnomAD no frequency). This variant has not been reported in the literature in individuals affected with PCDH15-related conditions. Algorithms developed to predict the effect of missense changes on protein structure and function (SIFT, PolyPhen-2, Align-GVGD) all suggest that this variant is likely to be tolerated. In summary, the available evidence is currently insufficient to determine the role of this variant in disease. Therefore, it has been classified as a Variant of Uncertain Significance.

NM_001384140.1(PCDH15):c.790A>T (p.Met264Leu)

Gene: PCDH15 (protocadherin related 15; minus strand). Cytogenetic location: 10q21.1.
Variant type: single nucleotide variant.
Coding change: c.790A>T on transcript NM_001384140.1 (MANE Select); coding-DNA position 790, A replaced by T.
Protein change: p.Met264Leu; replaces methionine 264 with leucine.
Molecular consequence: missense variant.
Genome position (GRCh38, 1-based): chr10:54,317,357, T>A on the plus strand (A>T on the coding strand, the complement: PCDH15 is on the minus strand). VCF-style: chr10-54317357-T-A. GRCh37 (hg19) VCF-style: chr10-56077117-T-A.
Other names: c.805A>T, p.Met269Leu (NM_001142763.2, NM_001142769.4, NM_001142771.2); c.790A>T, p.Met264Leu (NM_001142764.2, NM_001142765.2, NM_001142766.2 and 7 more transcripts); c.679A>T, p.Met227Leu (NM_001142767.2); c.724A>T, p.Met242Leu (NM_001142768.2, NM_001142773.2, NM_001354404.2); short protein forms M242L, M264L, M269L, M227L.
Identifiers: ClinVar variation 1445678 (VCV001445678.4), dbSNP rs895994892, ClinGen allele CA376540934.